The following is an entry in ClinVar:

ClinVar aggregate classification (germline): Uncertain significance (1 of 4 stars; one submission).

Conditions:
Hereditary cancer-predisposing syndrome. Also called: Neoplastic Syndromes, Hereditary; Tumor predisposition; Hereditary Cancer Syndrome; Hereditary neoplastic syndrome. Identifiers: Orphanet 140162, MedGen C0027672, MeSH D009386, MONDO:0015356.

Submission:

Ambry Genetics
Classification: Uncertain significance for Hereditary cancer-predisposing syndrome. Last evaluated: 2026-04-19. Review status: criteria provided, single submitter. Criteria: Ambry Variant Classification Scheme 2023. Collection method: clinical testing. Allele origin: germline.
Comment: The p.Q271E variant (also known as c.811C>G), located in coding exon 3 of the PHOX2B gene, results from a C to G substitution at nucleotide position 811. The glutamine at codon 271 is replaced by glutamic acid, an amino acid with highly similar properties. This amino acid position is conserved. In addition, this alteration is predicted to be tolerated by in silico analysis. Based on the available evidence, the clinical significance of this variant remains unclear.

NM_003924.4(PHOX2B):c.811C>G (p.Gln271Glu)

Gene: PHOX2B (paired like homeobox 2B; minus strand). Cytogenetic location: 4p13.
Variant type: single nucleotide variant.
Coding change: c.811C>G on transcript NM_003924.4 (MANE Select); coding-DNA position 811, C replaced by G.
Protein change: p.Gln271Glu; replaces glutamine 271 with glutamic acid.
Molecular consequence: missense variant.
Genome position (GRCh38, 1-based): chr4:41,745,941, G>C on the plus strand (C>G on the coding strand, the complement: PHOX2B is on the minus strand). VCF-style: chr4-41745941-G-C. GRCh37 (hg19) VCF-style: chr4-41747958-G-C.
Other names: short protein forms Q271E.
Identifiers: ClinVar variation 4861810 (VCV004861810.1).